The following is an entry in ClinVar:

ClinVar aggregate classification (germline): Uncertain significance (1 of 4 stars; one submission).

gnomAD v4.1: 1 of 1,614,114 alleles (0.000062%); highest among the groups gnomAD compares: South Asian, 0.0011%; no homozygotes.

Submission:

GeneDx
Classification: Uncertain significance. Last evaluated: 2025-03-25. Review status: criteria provided, single submitter. Criteria: GeneDx Variant Classification Process June 2021. Collection method: clinical testing. Allele origin: germline. Affected: yes.
Comment: Not observed at significant frequency in large population cohorts (gnomAD); In silico analysis supports that this missense variant has a deleterious effect on protein structure/function; Has not been previously published as pathogenic or benign to our knowledge

NM_001923.5(DDB1):c.2981A>G (p.Glu994Gly)

Gene: DDB1 (damage specific DNA binding protein 1; minus strand). Cytogenetic location: 11q12.2.
Variant type: single nucleotide variant.
Coding change: c.2981A>G on transcript NM_001923.5 (MANE Select); coding-DNA position 2981, A replaced by G.
Protein change: p.Glu994Gly; replaces glutamic acid 994 with glycine.
Molecular consequence: missense variant.
Genome position (GRCh38, 1-based): chr11:61,302,713, T>C on the plus strand (A>G on the coding strand, the complement: DDB1 is on the minus strand). VCF-style: chr11-61302713-T-C. GRCh37 (hg19) VCF-style: chr11-61070185-T-C.
Other names: short protein forms E994G.
Identifiers: ClinVar variation 4088154 (VCV004088154.1).